The following is an entry in ClinVar:

ClinVar aggregate classification (germline): Pathogenic (0 of 4 stars; one submission).

Conditions:
Brachycephaly, trichomegaly, and developmental delay. Also called: MacInnes syndrome. Identifiers: MedGen C4479431, MONDO:0044311, OMIM 617412.

Submission:

OMIM
Classification: Pathogenic for BRACHYCEPHALY, TRICHOMEGALY, AND DEVELOPMENTAL DELAY. Last evaluated: 2017-08-11. Review status: no assertion criteria provided. Collection method: literature only. Allele origin: germline.

Literature cited by the submitters: PubMed 28257692 (cited by OMIM).

NM_001025.5(RPS23):c.200G>A (p.Arg67Lys)

Gene: RPS23 (ribosomal protein S23; minus strand). Cytogenetic location: 5q14.2.
Variant type: single nucleotide variant.
Coding change: c.200G>A on transcript NM_001025.5 (MANE Select); coding-DNA position 200, G replaced by A.
Protein change: p.Arg67Lys; replaces arginine 67 with lysine.
Molecular consequence: missense variant.
Genome position (GRCh38, 1-based): chr5:82,276,483, C>T on the plus strand (G>A on the coding strand, the complement: RPS23 is on the minus strand). VCF-style: chr5-82276483-C-T. GRCh37 (hg19) VCF-style: chr5-81572302-C-T.
Other names: short protein forms R67K.
Identifiers: ClinVar variation 417763 (VCV000417763.3), dbSNP rs1060505034, ClinGen allele CA16616870.
Genomic context (GRCh38, chr5:82,276,483, plus strand): 5'-TTGGGTACAAAGGCTGTGATTTTCTTGCCATTCTTGATCAGCTGGACCCTTACACACTTC[C>T]TAATGGCAGAATTTGGCTGTTTGGCTTCAACTCCTCTGAAATACAAAAGGCACAGCACTG-3'
Protein context (NP_001016.1, residues 57-77): VEAKQPNSAI[Arg67Lys]KCVRVQLIKN